The following is an entry in ClinVar:

ClinVar aggregate classification (germline): Uncertain significance (1 of 4 stars; one submission).

Submission:

Labcorp Genetics (formerly Invitae), Labcorp
Classification: Uncertain significance. Last evaluated: 2024-10-21. Review status: criteria provided, single submitter. Criteria: Invitae Variant Classification Sherloc (09022015). Collection method: clinical testing. Allele origin: germline.
Comment: This sequence change creates a premature translational stop signal (p.Lys186*) in the DBR1 gene. It is expected to result in an absent or disrupted protein product. However, the current clinical and genetic evidence is not sufficient to establish whether loss-of-function variants in DBR1 cause disease. This variant is not present in population databases (gnomAD no frequency). This variant has not been reported in the literature in individuals affected with DBR1-related conditions. ClinVar contains an entry for this variant (Variation ID: 2109086). Algorithms developed to predict the effect of sequence changes on RNA splicing suggest that this variant may disrupt the consensus splice site. In summary, the available evidence is currently insufficient to determine the role of this variant in disease. Therefore, it has been classified as a Variant of Uncertain Significance.

NM_016216.4(DBR1):c.556A>T (p.Lys186Ter)

Gene: DBR1 (debranching RNA lariats 1; minus strand). Cytogenetic location: 3q22.3.
Variant type: single nucleotide variant.
Coding change: c.556A>T on transcript NM_016216.4 (MANE Select); coding-DNA position 556, A replaced by T.
Protein change: p.Lys186Ter; replaces lysine 186 with a stop codon.
Molecular consequence: nonsense.
Genome position (GRCh38, 1-based): chr3:138,167,239, T>A on the plus strand (A>T on the coding strand, the complement: DBR1 is on the minus strand). VCF-style: chr3-138167239-T-A. GRCh37 (hg19) VCF-style: chr3-137886081-T-A.
Other names: short protein forms K186*.
Identifiers: ClinVar variation 2109086 (VCV002109086.4), dbSNP rs2472966029, ClinGen allele CA354675815.